The following is an entry in ClinVar:

NM_004006.3(DMD):c.1584T>C (p.Ala528=)

Gene: DMD (dystrophin; minus strand). Cytogenetic location: Xp21.1.
Variant type: single nucleotide variant.
Coding change: c.1584T>C on transcript NM_004006.3 (MANE Select); coding-DNA position 1584, T replaced by C.
Protein change: p.Ala528=; no amino-acid change (alanine 528 retained).
Molecular consequence: synonymous variant.
Genome position (GRCh38, 1-based): chrX:32,595,775, A>G on the plus strand (T>C on the coding strand, the complement: DMD is on the minus strand). VCF-style: chrX-32595775-A-G. GRCh37 (hg19) VCF-style: chrX-32613892-A-G.
Other names: c.1560T>C, p.Ala520= (NM_000109.4); c.1572T>C, p.Ala524= (NM_004009.3); c.1215T>C, p.Ala405= (NM_004010.3).
Identifiers: ClinVar variation 3033871 (VCV003033871.2), dbSNP rs2518922146, ClinGen allele CA515864157.
Genomic context (GRCh38, chrX:32,595,775, plus strand): 5'-TTTTAAAGGACATATTTAGTTTACTAAGCAAAATAATCTGACCTTAAGTTGTTCTTCCAA[A>G]GCAGCAGTTGCGTGATCTCCACTAGATTCATCAACTACCACCACCATGTGAGTGAGAGAA-3'
Protein context (NP_003997.2, residues 518-538): DESSGDHATA[Ala528=]LEEQLKVLGD

ClinVar aggregate classification (germline): Likely benign (0 of 4 stars; one submission).

Conditions:
DMD-related disorder. Also called: DMD-related condition.

Submission:

PreventionGenetics, part of Exact Sciences
Classification: Likely benign for DMD-related condition. Last evaluated: 2019-06-14. Review status: no assertion criteria provided. Collection method: clinical testing. Allele origin: germline.
Comment: This variant is classified as likely benign based on ACMG/AMP sequence variant interpretation guidelines (Richards et al. 2015 PMID: 25741868, with internal and published modifications).